The following is an entry in ClinVar:

NM_016222.4(DDX41):c.55G>T (p.Gly19Ter)

Gene: DDX41 (DEAD-box helicase 41; minus strand). Cytogenetic location: 5q35.3.
Variant type: single nucleotide variant.
Coding change: c.55G>T on transcript NM_016222.4 (MANE Select); coding-DNA position 55, G replaced by T.
Protein change: p.Gly19Ter; replaces glycine 19 with a stop codon.
Molecular consequence: nonsense. On other transcripts: 5 prime UTR variant (2).
Genome position (GRCh38, 1-based): chr5:177,516,808, C>A on the plus strand (G>T on the coding strand, the complement: DDX41 is on the minus strand). VCF-style: chr5-177516808-C-A. GRCh37 (hg19) VCF-style: chr5-176943809-C-A.
Other names: c.-601G>T (NM_001321732.2); c.-393G>T (NM_001321830.2); c.55G>T (NM_016222.2); short protein forms G19*.
Identifiers: ClinVar variation 2674794 (VCV002674794.3), dbSNP rs780643002, ClinGen allele CA362377939.

ClinVar aggregate classification (germline): Pathogenic/Likely pathogenic. Review status: criteria provided, multiple submitters, no conflicts (2 of 4 stars). 3 submissions from 3 submitters: Pathogenic (1); Likely pathogenic (2). Last evaluated 2025-05-01.

Conditions:
Inborn genetic diseases. Identifiers: MedGen C0950123, MeSH D030342.
DDX41-related hematologic malignancy predisposition syndrome. Also called: Myeloproliferative/lymphoproliferative neoplasms, familial (multiple types), susceptibility to; DDX41-Associated Familial Myelodysplastic Syndrome and Acute Myeloid Leukemia. Identifiers: Orphanet 488647, MedGen C4225174, MONDO:0014809, OMIM 616871.

gnomAD v4.1: 6 of 1,612,534 alleles (0.00037%); highest among the groups gnomAD compares: Non-Finnish European, 0.00034%; no homozygotes.

Submissions (3):

GeneDx
Classification: Pathogenic. Last evaluated: 2025-05-01. Review status: criteria provided, single submitter. Criteria: GeneDx Variant Classification Process June 2021. Collection method: clinical testing. Allele origin: germline. Affected: yes.
Comment: Nonsense variant predicted to result in protein truncation or nonsense mediated decay in a gene for which loss of function is a known mechanism of disease; Not observed at significant frequency in large population cohorts (gnomAD); This variant is associated with the following publications: (PMID: 38159331, 36322930, 35443031, 37506341)

Ambry Genetics
Classification: Likely pathogenic for Inborn genetic diseases. Last evaluated: 2025-03-13. Review status: criteria provided, single submitter. Criteria: Ambry Variant Classification Scheme 2023. Collection method: clinical testing. Allele origin: germline.
Comment: The p.G19* variant (also known as c.55G>T), located in coding exon 2 of the DDX41 gene, results from a G to T substitution at nucleotide position 55. This changes the amino acid from a glycine to a stop codon within coding exon 2. The predicted stop codon occurs in the 5&rsquo; end of theDDX41 gene. Premature termination codons in the 5&rsquo; end of a gene have been reported to escape nonsense-mediated mRNAdecay and/or lead to re-initiation (Rivas et al. Science. 2015 May 8;348(6235):666-9; Lindeboom et al. Nat Genet. 2016 Oct;48(10):1112-8; Rhee et al. Sci Rep. 2017 May 10;7(1):1653). Direct evidence for this alteration is unavailable, however premature termination codons are typically deleterious in nature. This variant has been identified as germline patients with AML and seen with a second (somatic) DDX41 mutation in several cases (Duployez N et al. Blood, 2022 Aug;140:756-768; Makishima H et al. Blood, 2023 Feb;141:534-549). This variant is considered to be rare based on population cohorts in the Genome Aggregation Database (gnomAD). Based on the majority of available evidence to date, this variant is likely to be pathogenic.

Baylor Genetics
Classification: Likely pathogenic for DDX41-related hematologic malignancy predisposition syndrome. Last evaluated: 2023-03-24. Review status: criteria provided, single submitter. Criteria: ACMG Guidelines, 2015. Collection method: clinical testing. Allele origin: unknown.

Literature cited by the submitters: PubMed 35443031 (cited by Ambry Genetics); PubMed 36322930 (cited by Ambry Genetics).